The following is an entry in ClinVar:

NM_053025.4(MYLK):c.2569G>A (p.Gly857Arg)

Gene: MYLK (myosin light chain kinase; minus strand). Cytogenetic location: 3q21.1.
Variant type: single nucleotide variant.
Coding change: c.2569G>A on transcript NM_053025.4 (MANE Select); coding-DNA position 2569, G replaced by A.
Protein change: p.Gly857Arg; replaces glycine 857 with arginine.
Molecular consequence: missense variant.
Genome position (GRCh38, 1-based): chr3:123,700,899, C>T on the plus strand (G>A on the coding strand, the complement: MYLK is on the minus strand). VCF-style: chr3-123700899-C-T. GRCh37 (hg19) VCF-style: chr3-123419746-C-T.
Other names: c.2569G>A (NM_053025.3); c.2041G>A, p.Gly681Arg (NM_001321309.2); c.2362G>A, p.Gly788Arg (NM_053026.4, NM_053028.4); c.2569G>A, p.Gly857Arg (NM_053027.4); short protein forms G681R, G788R, G857R.
Identifiers: ClinVar variation 2870978 (VCV002870978.4), dbSNP rs752128030, ClinGen allele CA068726.

ClinVar aggregate classification (germline): Uncertain significance. Review status: criteria provided, multiple submitters, no conflicts (2 of 4 stars). 2 submissions from 2 submitters: Uncertain significance (2). Last evaluated 2025-08-20.

Conditions:
Familial thoracic aortic aneurysm and aortic dissection (TAAD). Also called: Thoracic aortic aneurysms and dissections. Identifiers: Orphanet 91387, MedGen C4707243, MONDO:0019625.
Aortic aneurysm, familial thoracic 7 (AAT7). Also called: AORTIC DISSECTION, FAMILIAL, WITH OR WITHOUT AORTIC ANEURYSM. Identifiers: MedGen C3151077, MONDO:0013418, OMIM 613780.

Allele frequency attached by ClinVar (database versions not stated): gnomAD exomes below 0.00001; ExAC 0.00001.
gnomAD v4.1: 4 of 1,612,780 alleles (0.00025%); highest among the groups gnomAD compares: Non-Finnish European, 0.00034%; no homozygotes.

Submissions (2):

Ambry Genetics
Classification: Uncertain significance for Familial thoracic aortic aneurysm and aortic dissection. Last evaluated: 2025-08-20. Review status: criteria provided, single submitter. Criteria: Ambry Variant Classification Scheme 2023. Collection method: clinical testing. Allele origin: germline.

Labcorp Genetics (formerly Invitae), Labcorp
Classification: Uncertain significance for Aortic aneurysm, familial thoracic 7. Last evaluated: 2023-04-07. Review status: criteria provided, single submitter. Criteria: Invitae Variant Classification Sherloc (09022015). Collection method: clinical testing. Allele origin: germline.
Comment: This sequence change replaces glycine, which is neutral and non-polar, with arginine, which is basic and polar, at codon 857 of the MYLK protein (p.Gly857Arg). In summary, the available evidence is currently insufficient to determine the role of this variant in disease. Therefore, it has been classified as a Variant of Uncertain Significance. Advanced modeling of protein sequence and biophysical properties (such as structural, functional, and spatial information, amino acid conservation, physicochemical variation, residue mobility, and thermodynamic stability) performed at Invitae indicates that this missense variant is not expected to disrupt MYLK protein function. This variant has not been reported in the literature in individuals affected with MYLK-related conditions. This variant is present in population databases (rs752128030, gnomAD 0.0009%).